The following is an entry in ClinVar:

NM_001365951.3(KIF1B):c.3740T>C (p.Met1247Thr)

Gene: KIF1B (kinesin family member 1B; plus strand). Cytogenetic location: 1p36.22.
Variant type: single nucleotide variant.
Coding change: c.3740T>C on transcript NM_001365951.3 (MANE Select); coding-DNA position 3740, T replaced by C.
Protein change: p.Met1247Thr; replaces methionine 1247 with threonine.
Molecular consequence: missense variant.
Genome position (GRCh38, 1-based): chr1:10,345,896, T>C. VCF-style: chr1-10345896-T-C. GRCh37 (hg19) VCF-style: chr1-10405954-T-C.
Other names: c.3740T>C, p.Met1247Thr (NM_001365952.1); c.3602T>C, p.Met1201Thr (NM_015074.3); short protein forms M1201T, M1247T.
Identifiers: ClinVar variation 877031 (VCV000877031.7), dbSNP rs1326880304, ClinGen allele CA338342427.
Genomic context (GRCh38, chr1:10,345,896, plus strand): 5'-TTTTAAAAGTTCCAGCCACCAAGTTAAACACGATGAGCAAAACCAGCCTTGGCCAGAGCA[T>C]GAGCAAGTATGACCTCCTGGTTTGGTTTGAGATCAGTGAACTGGAGCCTACAGGAGAGTA-3'
Protein context (NP_001352880.1, residues 1237-1257): TMSKTSLGQS[Met1247Thr]SKYDLLVWFE

ClinVar aggregate classification (germline): Uncertain significance. Review status: criteria provided, multiple submitters, no conflicts (2 of 4 stars). 2 submissions from 2 submitters: Uncertain significance (2). Last evaluated 2025-08-24.

Conditions:
Neuroblastoma (NB). Identifiers: Orphanet 635, MedGen C0027819, MeSH D009447, MONDO:0005072, HP:0003006.

Allele frequency attached by ClinVar (database versions not stated): gnomAD exomes below 0.00001 and 0.00001; TOPMed 0.00001.

Submissions (2):

Ambry Genetics
Classification: Uncertain significance. Last evaluated: 2025-08-24. Review status: criteria provided, single submitter. Criteria: Ambry Variant Classification Scheme 2023. Collection method: clinical testing. Allele origin: germline.
Comment: The p.M1201T variant (also known as c.3602T>C), located in coding exon 32 of the KIF1B gene, results from a T to C substitution at nucleotide position 3602. The methionine at codon 1201 is replaced by threonine, an amino acid with similar properties. This amino acid position is conserved. In addition, this alteration is predicted to be tolerated by in silico analysis. Since supporting evidence is limited at this time, the clinical significance of this alteration remains unclear.

Illumina Laboratory Services, Illumina
Classification: Uncertain significance for Neuroblastoma. Last evaluated: 2018-01-12. Review status: criteria provided, single submitter. Criteria: ICSL Variant Classification Criteria 13 December 2019. Collection method: clinical testing. Allele origin: germline.